The following is an entry in ClinVar:

ClinVar aggregate classification (germline): Pathogenic (1 of 4 stars; one submission).

Submission:

Labcorp Genetics (formerly Invitae), Labcorp
Classification: Pathogenic. Last evaluated: 2023-02-27. Review status: criteria provided, single submitter. Criteria: Invitae Variant Classification Sherloc (09022015). Collection method: clinical testing. Allele origin: germline.
Comment: For these reasons, this variant has been classified as Pathogenic. Algorithms developed to predict the effect of sequence changes on RNA splicing suggest that this variant may disrupt the consensus splice site. Disruption of this splice site has been observed in individuals with epidermolysis bullosa dystrophica (PMID: 22266148, 34435747). This variant is not present in population databases (gnomAD no frequency). This sequence change affects an acceptor splice site in intron 115 of the COL7A1 gene. It is expected to disrupt RNA splicing. Variants that disrupt the donor or acceptor splice site typically lead to a loss of protein function (PMID: 16199547), and loss-of-function variants in COL7A1 are known to be pathogenic (PMID: 16971478).

Literature cited by the submitters: PubMed 22266148; PubMed 34435747; PubMed 16199547; PubMed 16971478.

NM_000094.4(COL7A1):c.8528-1G>C

Gene: COL7A1 (collagen type VII alpha 1 chain; minus strand). Cytogenetic location: 3p21.31.
Variant type: single nucleotide variant.
Coding change: c.8528-1G>C on transcript NM_000094.4 (MANE Select); the canonical splice acceptor site of the intron before coding-DNA position 8528, G replaced by C.
Molecular consequence: splice acceptor variant.
Genome position (GRCh38, 1-based): chr3:48,565,202, C>G on the plus strand (G>C on the coding strand, the complement: COL7A1 is on the minus strand). VCF-style: chr3-48565202-C-G. GRCh37 (hg19) VCF-style: chr3-48602635-C-G.
Identifiers: ClinVar variation 2734495 (VCV002734495.3), dbSNP rs2530799925, ClinGen allele CA352634441.